The following is an entry in ClinVar:

NM_001972.4(ELANE):c.10G>A (p.Gly4Ser)

Gene: ELANE (elastase, neutrophil expressed; plus strand). Cytogenetic location: 19p13.3.
Variant type: single nucleotide variant.
Coding change: c.10G>A on transcript NM_001972.4 (MANE Select); coding-DNA position 10, G replaced by A.
Protein change: p.Gly4Ser; replaces glycine 4 with serine.
Molecular consequence: missense variant.
Genome position (GRCh38, 1-based): chr19:852,338, G>A. VCF-style: chr19-852338-G-A. GRCh37 (hg19) VCF-style: chr19-852338-G-A.
Other names: c.10G>A (LRG_57t1); short protein forms G4S.
Identifiers: ClinVar variation 570477 (VCV000570477.14), dbSNP rs773460580, ClinGen allele CA9025895.

ClinVar aggregate classification (germline): Conflicting classifications of pathogenicity. Review status: criteria provided, conflicting classifications (1 of 4 stars). 4 submissions from 4 submitters: Uncertain significance (3); Likely benign (1). Last evaluated 2025-09-07.

Conditions:
Neutropenia, severe congenital, 1, autosomal dominant. Identifiers: MedGen C1859966, MONDO:0042490, OMIM 202700.
Cyclical neutropenia. Also called: Cyclic Neutropenia; Cyclic hematopoiesis. Identifiers: Orphanet 2686, MedGen C0221023, MONDO:0008090, OMIM 162800, HP:0040289. Disease mechanism: loss of function.

Allele frequency attached by ClinVar (database versions not stated): gnomAD 0.00001; ExAC 0.00004; TOPMed 0.00006.
gnomAD v4.1: 19 of 1,609,924 alleles (0.0012%); highest among the groups gnomAD compares: Admixed American, 0.02%; no homozygotes.

Submissions (4):

Labcorp Genetics (formerly Invitae), Labcorp
Classification: Uncertain significance for Neutropenia, severe congenital, 1, autosomal dominant; Cyclical neutropenia. Last evaluated: 2025-09-07. Review status: criteria provided, single submitter. Criteria: Invitae Variant Classification Sherloc (09022015). Collection method: clinical testing. Allele origin: germline.
Comment: This sequence change replaces glycine, which is neutral and non-polar, with serine, which is neutral and polar, at codon 4 of the ELANE protein (p.Gly4Ser). This variant is present in population databases (rs773460580, gnomAD 0.02%). This variant has not been reported in the literature in individuals affected with ELANE-related conditions. ClinVar contains an entry for this variant (Variation ID: 570477). Invitae Evidence Modeling of protein sequence and biophysical properties (such as structural, functional, and spatial information, amino acid conservation, physicochemical variation, residue mobility, and thermodynamic stability) indicates that this missense variant is not expected to disrupt ELANE protein function with a negative predictive value of 95%. In summary, the available evidence is currently insufficient to determine the role of this variant in disease. Therefore, it has been classified as a Variant of Uncertain Significance.

Fulgent Genetics
Classification: Uncertain significance for Cyclical neutropenia; Neutropenia, severe congenital, 1, autosomal dominant. Last evaluated: 2024-03-20. Review status: criteria provided, single submitter. Criteria: ACMG Guidelines, 2015. Collection method: clinical testing. Allele origin: germline.

Blueprint Genetics
Classification: Likely benign. Last evaluated: 2022-11-18. Review status: criteria provided, single submitter. Criteria: ACMG Guidelines, 2015. Collection method: clinical testing. Allele origin: germline.

Baylor Genetics
Classification: Uncertain significance for Neutropenia, severe congenital, 1, autosomal dominant. Last evaluated: 2019-09-20. Review status: criteria provided, single submitter. Criteria: ACMG Guidelines, 2015. Collection method: clinical testing. Allele origin: unknown. Affected: yes.
Comment: This variant was determined to be of uncertain significance according to ACMG Guidelines, 2015 [PMID:25741868].